The following is an entry in ClinVar:

NM_181840.1(KCNK18):c.594_597dup (p.Pro200fs)

Gene: KCNK18 (potassium two pore domain channel subfamily K member 18; plus strand). Cytogenetic location: 10q25.3.
Variant type: Duplication.
Coding change: c.594_597dup on transcript NM_181840.1 (MANE Select); coding-DNA positions 594 to 597, 4 bases duplicated (TGTC; older notation c.594_597dupTGTC).
Protein change: p.Pro200fs; shifts the reading frame from proline 200.
Molecular consequence: frameshift variant.
Genome position (GRCh38, 1-based): chr10:117,209,738-117,209,741, TGTC duplicated; duplicating any 4 consecutive bases within chr10:117,209,737-117,209,741 gives the same sequence; the c. name uses the placement nearest the transcript's 3' end. VCF-style (leftmost placement, unchanged base first): chr10-117209736-G-GCTGT. GRCh37 (hg19) VCF-style: chr10-118969247-G-GCTGT.
Other names: short protein forms P200fs.
Identifiers: ClinVar variation 5002786 (VCV005002786.1).
Genomic context (GRCh38, chr10:117,209,736, plus strand): 5'-TCCAAGTGGTGCCCCAAATCTCTCTTCAAGAAAAAACCGGACCCCAAGCCCGCAGATGAA[G>GCTGT]CTGTCCCTCAGATCATCATCAGTGCTGAAGAGCTTCCAGGCCCCAAACTTGGCACATGTC-3'

ClinVar aggregate classification (germline): Uncertain significance (1 of 4 stars; one submission).

Submission:

OLLIN Analises Genomicas, OLLIN
Classification: Uncertain significance. Last evaluated: 2026-08-06. Review status: criteria provided, single submitter. Criteria: ACMG Guidelines 2015 PMID 25741868. Collection method: clinical testing. Allele origin: germline.
Comment: This frameshift variant, located in exon 3 (of 3), has been observed in gnomAD with an allele frequency of 0.00019%, but has not been reported in ClinVar or identified in the literature. This variant causes a frameshift and introduces a premature stop codon, which is predicted to result in either a truncated protein or degradation of the mRNA via nonsense-mediated decay (NMD). According to the currently available evidence, this variant has been classified as uncertain significance (PM2_P).